The following is an entry in ClinVar:

NM_000257.4(MYH7):c.4698C>T (p.Asn1566=)

Genes: MHRT (myosin heavy chain associated RNA transcript; plus strand), MYH7 (myosin heavy chain 7; minus strand), LOC126861897 (BRD4-independent group 4 enhancer GRCh37_chr14:23884455-23885654; plus strand). Cytogenetic location: 14q11.2.
Variant type: single nucleotide variant.
Coding change: c.4698C>T on transcript NM_000257.4 (MANE Select); coding-DNA position 4698, C replaced by T.
Protein change: p.Asn1566=; no amino-acid change (asparagine 1566 retained).
Molecular consequence: synonymous variant. On other transcripts: non-coding transcript variant (1).
Genome position (GRCh38, 1-based): chr14:23,416,259, G>A on the plus strand (C>T on the coding strand, the complement: MYH7 is on the minus strand). VCF-style: chr14-23416259-G-A. GRCh37 (hg19) VCF-style: chr14-23885468-G-A.
Identifiers: ClinVar variation 926808 (VCV000926808.24), dbSNP rs1217251362, ClinGen allele CA485766423.
Genomic context (GRCh38, chr14:23,416,259, plus strand): 5'-GGCCTGTTCCATCTCCTCGTCCTTCTCTGCCAGCTTCCGCTCGATCTCTGCCTTGATCTG[G>A]TTGAACTCCAGCTGGGCCCGGAGGATCTTGCCCTCCTCGTGCTCCAGGGAGGCCTGGGAA-3'
Protein context (NP_000248.2, residues 1556-1576): GKILRAQLEF[Asn1566=]QIKAEIERKL

ClinVar aggregate classification (germline): Likely benign. Review status: criteria provided, multiple submitters, no conflicts (2 of 4 stars). 3 submissions from 3 submitters: Likely benign (3). Last evaluated 2024-11-01.

Conditions:
Hypertrophic cardiomyopathy. Also called: HYPERTROPHIC MYOCARDIOPATHY. Identifiers: Orphanet 217569, MedGen C0007194, MeSH D002312, MONDO:0005045, HP:0001639.
Cardiomyopathy (CMYO). Also called: Cardiomyopathies. Identifiers: Orphanet 167848, MedGen C0878544, MONDO:0004994, HP:0001638. Inheritance: Various modes of inheritance.

Allele frequency attached by ClinVar (database versions not stated): gnomAD exomes below 0.00001 and 0.00001; TOPMed below 0.00001.

Submissions (3):

CeGaT Center for Human Genetics Tuebingen
Classification: Likely benign. Last evaluated: 2024-11-01. Review status: criteria provided, single submitter. Criteria: CeGaT Center For Human Genetics Tuebingen Variant Classification Criteria Version 2. Collection method: clinical testing. Allele origin: germline. Affected: yes. Observed: 2 variant alleles.
Comment: MYH7: PM2:Supporting, BP4, BP7

Labcorp Genetics (formerly Invitae), Labcorp
Classification: Likely benign for Hypertrophic cardiomyopathy. Last evaluated: 2024-09-11. Review status: criteria provided, single submitter. Criteria: Invitae Variant Classification Sherloc (09022015). Collection method: clinical testing. Allele origin: germline.

Color Diagnostics, LLC DBA Color Health
Classification: Likely benign for Cardiomyopathy. Last evaluated: 2020-04-13. Review status: criteria provided, single submitter. Criteria: ACMG Guidelines, 2015. Collection method: clinical testing. Allele origin: germline.